The following is an entry in ClinVar:

ClinVar aggregate classification (germline): Uncertain significance (1 of 4 stars; one submission).

Conditions:
Biotin-responsive basal ganglia disease (BTBGD). Also called: Thiamine metabolism dysfunction syndrome 2 (biotin- or thiamine-responsive encephalopathy type 2); thiamine-responsive encephalopathy; Thiamine metabolism dysfunction syndrome type 2; Thiamine Transporter-2 Deficiency; THIAMINE METABOLISM DYSFUNCTION SYNDROME 2 (BIOTIN- AND THIAMINE-RESPONSIVE TYPE). Identifiers: Orphanet 199348, Orphanet 65284, MedGen C1843807, MONDO:0011841, OMIM 607483.

Allele frequency attached by ClinVar (database versions not stated): TOPMed below 0.00001; gnomAD 0.00001; gnomAD exomes 0.00001.
gnomAD v4.1: 9 of 1,614,110 alleles (0.00056%); highest among the groups gnomAD compares: Non-Finnish European, 0.00076%; no homozygotes.

Submission:

Labcorp Genetics (formerly Invitae), Labcorp
Classification: Uncertain significance for Biotin-responsive basal ganglia disease. Last evaluated: 2017-12-06. Review status: criteria provided, single submitter. Criteria: Invitae Variant Classification Sherloc (09022015). Collection method: clinical testing. Allele origin: germline.
Comment: This variant has not been reported in the literature in individuals with SLC19A3-related disease. This sequence change replaces lysine with arginine at codon 306 of the SLC19A3 protein (p.Lys306Arg). The lysine residue is moderately conserved and there is a small physicochemical difference between lysine and arginine. This variant is not present in population databases (ExAC no frequency). Algorithms developed to predict the effect of missense changes on protein structure and function (SIFT, PolyPhen-2, Align-GVGD) all suggest that this variant is likely to be tolerated, but these predictions have not been confirmed by published functional studies and their clinical significance is uncertain. Algorithms developed to predict the effect of sequence changes on RNA splicing suggest that this variant may create or strengthen a splice site, but this prediction has not been confirmed by published transcriptional studies. In summary, the available evidence is currently insufficient to determine the role of this variant in disease. Therefore, it has been classified as a Variant of Uncertain Significance.

NM_025243.4(SLC19A3):c.917A>G (p.Lys306Arg)

Gene: SLC19A3 (solute carrier family 19 member 3; minus strand). Cytogenetic location: 2q36.3.
Variant type: single nucleotide variant.
Coding change: c.917A>G on transcript NM_025243.4 (MANE Select); coding-DNA position 917, A replaced by G.
Protein change: p.Lys306Arg; replaces lysine 306 with arginine.
Molecular consequence: missense variant.
Genome position (GRCh38, 1-based): chr2:227,698,798, T>C on the plus strand (A>G on the coding strand, the complement: SLC19A3 is on the minus strand). VCF-style: chr2-227698798-T-C. GRCh37 (hg19) VCF-style: chr2-228563514-T-C.
Other names: short protein forms K306R.
Identifiers: ClinVar variation 533542 (VCV000533542.9), dbSNP rs1453716517, ClinGen allele CA350876177.